The following is an entry in ClinVar:

NM_000553.6(WRN):c.4127C>T (p.Pro1376Leu)

Gene: WRN (WRN RecQ like helicase; plus strand). Cytogenetic location: 8p12.
Variant type: single nucleotide variant.
Coding change: c.4127C>T on transcript NM_000553.6 (MANE Select); coding-DNA position 4127, C replaced by T.
Protein change: p.Pro1376Leu; replaces proline 1376 with leucine.
Molecular consequence: missense variant.
Genome position (GRCh38, 1-based): chr8:31,167,166, C>T. VCF-style: chr8-31167166-C-T. GRCh37 (hg19) VCF-style: chr8-31024682-C-T.
Other names: short protein forms P1376L.
Identifiers: ClinVar variation 135439 (VCV000135439.15), dbSNP rs146055899, ClinGen allele CA162767.

ClinVar aggregate classification (germline): Conflicting classifications of pathogenicity. Review status: criteria provided, conflicting classifications (1 of 4 stars). 5 submissions from 5 submitters: Uncertain significance (2); Likely benign (2). 1 of the submissions does not count toward it. Last evaluated 2026-03-02.

Conditions:
Werner syndrome (WRN). Identifiers: Orphanet 902, MedGen C0043119, MONDO:0010196, OMIM 277700.

Allele frequency attached by ClinVar (database versions not stated): gnomAD exomes 0.00007 and 0.00018; gnomAD 0.00010; TOPMed 0.00007; ExAC 0.00018.
gnomAD v4.1: 120 of 1,613,056 alleles (0.0074%); highest among the groups gnomAD compares: Middle Eastern, 0.066%; no homozygotes.

Submissions (5):

Dasa
Classification: Likely benign. Last evaluated: 2026-03-02. Review status: criteria provided, single submitter. Criteria: DASA Assertion Criteria. Collection method: clinical testing. Allele origin: germline.
Comment: NM_000553.6(WRN):c.4127C>T (p.Pro1376Leu) is a missense variant that results in the substitution of proline with leucine. Multiple computational predictions suggest no deleterious effect on the gene or gene product. The variant is present at low frequency in population datasets. Based on the available data, this variant is classified as likely benign.

Labcorp Genetics (formerly Invitae), Labcorp
Classification: Likely benign for Werner syndrome. Last evaluated: 2026-01-18. Review status: criteria provided, single submitter. Criteria: Invitae Variant Classification Sherloc (09022015). Collection method: clinical testing. Allele origin: germline.

Revvity Omics, Revvity
Classification: Uncertain significance for Werner syndrome. Last evaluated: 2023-12-05. Review status: criteria provided, single submitter. Criteria: ACMG Guidelines, 2015. Collection method: clinical testing. Allele origin: germline.

Fulgent Genetics
Classification: Uncertain significance for Werner syndrome. Last evaluated: 2018-10-31. Review status: criteria provided, single submitter. Criteria: ACMG Guidelines, 2015. Collection method: clinical testing. Allele origin: unknown.

ITMI
No classification provided. Condition: AllHighlyPenetrant. Last evaluated: 2013-09-19. Review status: no classification provided. Collection method: reference population. Allele origin: germline. Not counted in ClinVar's aggregate classification.
Comment: Please see associated publication for description of ethnicities

Literature cited by the submitters: PubMed 24728327 (cited by ITMI).